The following is an entry in ClinVar:

ClinVar aggregate classification (germline): Uncertain significance (1 of 4 stars; one submission).

Submission:

Labcorp Genetics (formerly Invitae), Labcorp
Classification: Uncertain significance. Last evaluated: 2023-04-24. Review status: criteria provided, single submitter. Criteria: Invitae Variant Classification Sherloc (09022015). Collection method: clinical testing. Allele origin: unknown.
Comment: This variant is a gross deletion of the genomic region encompassing exon(s) 9 of the TANGO2 gene, which includes the termination codon. This deletion extends beyond the assayed region for this gene and therefore may encompass additional genes. While this deletion is not anticipated to lead to nonsense mediated decay, it is expected to alter mRNA translation or result in a truncated protein product. This variant has not been reported in the literature in individuals affected with TANGO2-related conditions. In summary, the available evidence is currently insufficient to determine the role of this variant in disease. Therefore, it has been classified as a Variant of Uncertain Significance. Experimental studies and prediction algorithms are not available or were not evaluated, and the functional significance of this variant is currently unknown.

NC_000022.10:g.(?_20052045)_(20052185_?)del

Gene: TANGO2 (transport and golgi organization 2 homolog; plus strand). Cytogenetic location: 22q11.21.
Variant type: Deletion.
Identifiers: ClinVar variation 3248138 (VCV003248138.1).